The following is an entry in ClinVar:

ClinVar aggregate classification (germline): Uncertain significance. Review status: criteria provided, multiple submitters, no conflicts (2 of 4 stars). 2 submissions from 2 submitters: Uncertain significance (2). Last evaluated 2020-11-25.

gnomAD v4.1: 1 of 1,614,094 alleles (0.000062%); no homozygotes.

Submissions (2):

Labcorp Genetics (formerly Invitae), Labcorp
Classification: Uncertain significance. Last evaluated: 2020-11-25. Review status: criteria provided, single submitter. Criteria: Invitae Variant Classification Sherloc (09022015). Collection method: clinical testing. Allele origin: germline.
Comment: This sequence change replaces arginine with glycine at codon 372 of the KLHL7 protein (p.Arg372Gly). The arginine residue is highly conserved and there is a moderate physicochemical difference between arginine and glycine. In summary, the available evidence is currently insufficient to determine the role of this variant in disease. Therefore, it has been classified as a Variant of Uncertain Significance. Algorithms developed to predict the effect of missense changes on protein structure and function (SIFT, PolyPhen-2, Align-GVGD) all suggest that this variant is likely to be disruptive, but these predictions have not been confirmed by published functional studies and their clinical significance is uncertain. This variant has not been reported in the literature in individuals with KLHL7-related conditions. This variant is not present in population databases (ExAC no frequency).

GeneDx
Classification: Uncertain significance. Last evaluated: 2020-02-03. Review status: criteria provided, single submitter. Criteria: GeneDx Variant Classification Process June 2021. Collection method: clinical testing. Allele origin: germline. Affected: yes.
Comment: Not observed in large population cohorts (Lek et al., 2016); In silico analysis supports that this missense variant has a deleterious effect on protein structure/function; Has not been previously published as pathogenic or benign to our knowledge

NM_001031710.3(KLHL7):c.1114C>G (p.Arg372Gly)

Gene: KLHL7 (kelch like family member 7; plus strand). Cytogenetic location: 7p15.3.
Variant type: single nucleotide variant.
Coding change: c.1114C>G on transcript NM_001031710.3 (MANE Select); coding-DNA position 1114, C replaced by G.
Protein change: p.Arg372Gly; replaces arginine 372 with glycine.
Molecular consequence: missense variant. On other transcripts: non-coding transcript variant (1).
Genome position (GRCh38, 1-based): chr7:23,165,875, C>G. VCF-style: chr7-23165875-C-G. GRCh37 (hg19) VCF-style: chr7-23205494-C-G.
Other names: c.970C>G, p.Arg324Gly (NM_018846.5); short protein forms R324G, R372G.
Identifiers: ClinVar variation 1311864 (VCV001311864.9), dbSNP rs769053076, ClinGen allele CA366981499.